The following is an entry in ClinVar:

NM_001127453.2(GSDME):c.833A>C (p.Gln278Pro)

Gene: GSDME (gasdermin E; minus strand). Cytogenetic location: 7p15.3.
Variant type: single nucleotide variant.
Coding change: c.833A>C on transcript NM_001127453.2 (MANE Select); coding-DNA position 833, A replaced by C.
Protein change: p.Gln278Pro; replaces glutamine 278 with proline.
Molecular consequence: missense variant.
Genome position (GRCh38, 1-based): chr7:24,710,253, T>G on the plus strand (A>C on the coding strand, the complement: GSDME is on the minus strand). VCF-style: chr7-24710253-T-G. GRCh37 (hg19) VCF-style: chr7-24749872-T-G.
Other names: c.341A>C, p.Gln114Pro (NM_001127454.2); c.833A>C, p.Gln278Pro (NM_004403.3); short protein forms Q114P, Q278P.
Identifiers: ClinVar variation 1680836 (VCV001680836.6), dbSNP rs1789294176, ClinGen allele CA367047581.

ClinVar aggregate classification (germline): Uncertain significance (1 of 4 stars; one submission).

Allele frequency attached by ClinVar (database versions not stated): gnomAD exomes below 0.00001; TOPMed below 0.00001.
gnomAD v4.1: 2 of 1,614,174 alleles (0.00012%); highest among the groups gnomAD compares: Non-Finnish European, 0.00017%; no homozygotes.

Submission:

Labcorp Genetics (formerly Invitae), Labcorp
Classification: Uncertain significance. Last evaluated: 2025-05-04. Review status: criteria provided, single submitter. Criteria: Invitae Variant Classification Sherloc (09022015). Collection method: clinical testing. Allele origin: germline.
Comment: This sequence change replaces glutamine, which is neutral and polar, with proline, which is neutral and non-polar, at codon 278 of the DFNA5 protein (p.Gln278Pro). This variant is not present in population databases (gnomAD no frequency). This variant has not been reported in the literature in individuals affected with DFNA5-related conditions. ClinVar contains an entry for this variant (Variation ID: 1680836). Invitae Evidence Modeling of protein sequence and biophysical properties (such as structural, functional, and spatial information, amino acid conservation, physicochemical variation, residue mobility, and thermodynamic stability) indicates that this missense variant is not expected to disrupt DFNA5 protein function with a negative predictive value of 80%. In summary, the available evidence is currently insufficient to determine the role of this variant in disease. Therefore, it has been classified as a Variant of Uncertain Significance.